The following is an entry in ClinVar:

NM_001371986.1(UNC80):c.2432G>A (p.Arg811Gln)

Gene: UNC80 (unc-80 homolog, NALCN channel complex subunit; plus strand). Cytogenetic location: 2q34.
Variant type: single nucleotide variant.
Coding change: c.2432G>A on transcript NM_001371986.1 (MANE Select); coding-DNA position 2432, G replaced by A.
Protein change: p.Arg811Gln; replaces arginine 811 with glutamine.
Molecular consequence: missense variant.
Genome position (GRCh38, 1-based): chr2:209,826,007, G>A. VCF-style: chr2-209826007-G-A. GRCh37 (hg19) VCF-style: chr2-210690731-G-A.
Other names: c.2432G>A, p.Arg811Gln (NM_032504.2, NM_182587.4); short protein forms R811Q.
Identifiers: ClinVar variation 1957739 (VCV001957739.3), dbSNP rs967185569, ClinGen allele CA64673053.

ClinVar aggregate classification (germline): Uncertain significance (1 of 4 stars; one submission).

Allele frequency attached by ClinVar (database versions not stated): TOPMed 0.00001; gnomAD exomes 0.00002.
gnomAD v4.1: 33 of 1,550,658 alleles (0.0021%); highest among the groups gnomAD compares: Non-Finnish European, 0.0028%; no homozygotes.

Submission:

Labcorp Genetics (formerly Invitae), Labcorp
Classification: Uncertain significance. Last evaluated: 2022-05-21. Review status: criteria provided, single submitter. Criteria: Invitae Variant Classification Sherloc (09022015). Collection method: clinical testing. Allele origin: germline.
Comment: In summary, the available evidence is currently insufficient to determine the role of this variant in disease. Therefore, it has been classified as a Variant of Uncertain Significance. This missense change has been observed in individual(s) with clinical features of UNC80-related conditions (PMID: 31785789). This sequence change replaces arginine, which is basic and polar, with glutamine, which is neutral and polar, at codon 811 of the UNC80 protein (p.Arg811Gln). This variant is not present in population databases (gnomAD no frequency). Algorithms developed to predict the effect of missense changes on protein structure and function are either unavailable or do not agree on the potential impact of this missense change (SIFT: "Not Available"; PolyPhen-2: "Probably Damaging"; Align-GVGD: "Not Available").

Literature cited by the submitters: PubMed 31785789.